The following is an entry in ClinVar:

NM_005120.3(MED12):c.3920T>C (p.Leu1307Pro)

Gene: MED12 (mediator complex subunit 12; plus strand). Cytogenetic location: Xq13.1.
Variant type: single nucleotide variant.
Coding change: c.3920T>C on transcript NM_005120.3 (MANE Select); coding-DNA position 3920, T replaced by C.
Protein change: p.Leu1307Pro; replaces leucine 1307 with proline.
Molecular consequence: missense variant.
Genome position (GRCh38, 1-based): chrX:71,130,087, T>C. VCF-style: chrX-71130087-T-C. GRCh37 (hg19) VCF-style: chrX-70349937-T-C.
Other names: short protein forms L1307P.
Identifiers: ClinVar variation 1310202 (VCV001310202.2), dbSNP rs2147808430, ClinGen allele CA413523104.

ClinVar aggregate classification (germline): Uncertain significance (1 of 4 stars; one submission).

Submission:

GeneDx
Classification: Uncertain significance. Last evaluated: 2019-09-05. Review status: criteria provided, single submitter. Criteria: GeneDx Variant Classification Process June 2021. Collection method: clinical testing. Allele origin: germline. Affected: yes.
Comment: Not observed in large population cohorts (Lek et al., 2016); In silico analysis, which includes protein predictors and evolutionary conservation, supports a deleterious effect; Has not been previously published as pathogenic or benign to our knowledge